The following is an entry in ClinVar:

ClinVar aggregate classification (germline): Likely benign (1 of 4 stars; one submission).

Conditions:
Developmental and epileptic encephalopathy, 67. Also called: EPILEPTIC ENCEPHALOPATHY, EARLY INFANTILE, 67. Identifiers: MedGen C4748341, MONDO:0029138, OMIM 618141.

gnomAD v4.1: 15 of 1,612,752 alleles (0.00093%); highest among the groups gnomAD compares: Non-Finnish European, 0.0013%; no homozygotes.

Submission:

Centre for Medical Genetics,  Mumbai
Classification: Likely benign for Developmental and epileptic encephalopathy, 67. Last evaluated: 2026-03-10. Review status: criteria provided, single submitter. Criteria: ACMG Guidelines, 2015. Collection method: provider interpretation. Allele origin: germline. Inheritance: Autosomal dominant inheritance. Affected: no. Observed: 1 variant allele, 1 heterozygote.
Comment: The variant satisfies PM2 criteria - extremely low frequency in gnomAD population databases. The variant satisfies PP2 criteria - missense variant in a gene with low rate of benign missense mutations and for which missense mutation is a common mechanism of a disease. However, the variant satisfies BS2 criteria - present in heterozygous state in an individual that clinically does not have developmental and epileptic encephalopathy.

Literature cited by the submitters: PubMed 29630738.

NM_015267.4(CUX2):c.1018C>T (p.Arg340Trp)

Gene: CUX2 (cut like homeobox 2; plus strand). Cytogenetic location: 12q24.12.
Variant type: single nucleotide variant.
Coding change: c.1018C>T on transcript NM_015267.4 (MANE Select); coding-DNA position 1018, C replaced by T.
Protein change: p.Arg340Trp; replaces arginine 340 with tryptophan.
Molecular consequence: missense variant.
Genome position (GRCh38, 1-based): chr12:111,307,080, C>T. VCF-style: chr12-111307080-C-T. GRCh37 (hg19) VCF-style: chr12-111744884-C-T.
Other names: c.832C>T, p.Arg278Trp (NM_001370598.1); short protein forms R278W, R340W.
Identifiers: ClinVar variation 4852301 (VCV004852301.1).